The following is an entry in ClinVar:

ClinVar aggregate classification (germline): Uncertain significance (1 of 4 stars; one submission).

Allele frequency attached by ClinVar (database versions not stated): gnomAD exomes below 0.00001.
gnomAD v4.1: 1 of 1,613,332 alleles (0.000062%); highest among the groups gnomAD compares: Non-Finnish European, 0.000085%; no homozygotes.

Submission:

Labcorp Genetics (formerly Invitae), Labcorp
Classification: Uncertain significance. Last evaluated: 2022-06-04. Review status: criteria provided, single submitter. Criteria: Invitae Variant Classification Sherloc (09022015). Collection method: clinical testing. Allele origin: germline.
Comment: This sequence change replaces leucine, which is neutral and non-polar, with proline, which is neutral and non-polar, at codon 599 of the GPAA1 protein (p.Leu599Pro). This variant is not present in population databases (gnomAD no frequency). This variant has not been reported in the literature in individuals affected with GPAA1-related conditions. Algorithms developed to predict the effect of missense changes on protein structure and function are either unavailable or do not agree on the potential impact of this missense change (SIFT: "Tolerated"; PolyPhen-2: "Probably Damaging"; Align-GVGD: "Class C0"). In summary, the available evidence is currently insufficient to determine the role of this variant in disease. Therefore, it has been classified as a Variant of Uncertain Significance.

NM_003801.4(GPAA1):c.1796T>C (p.Leu599Pro)

Gene: GPAA1 (glycosylphosphatidylinositol anchor attachment 1; plus strand). Cytogenetic location: 8q24.3.
Variant type: single nucleotide variant.
Coding change: c.1796T>C on transcript NM_003801.4 (MANE Select); coding-DNA position 1796, T replaced by C.
Protein change: p.Leu599Pro; replaces leucine 599 with proline.
Molecular consequence: missense variant.
Genome position (GRCh38, 1-based): chr8:144,086,055, T>C. VCF-style: chr8-144086055-T-C. GRCh37 (hg19) VCF-style: chr8-145140958-T-C.
Other names: short protein forms L599P.
Identifiers: ClinVar variation 2060550 (VCV002060550.4), dbSNP rs1835991331, ClinGen allele CA372509543.